The following is an entry in ClinVar:

ClinVar aggregate classification (germline): Likely benign. Review status: criteria provided, multiple submitters, no conflicts (2 of 4 stars). 2 submissions from 2 submitters: Likely benign (2). Last evaluated 2026-07-14.

Conditions:
RHO-related disorder. Also called: RHO-related condition.

Submissions (2):

PreventionGenetics, part of Exact Sciences
Classification: Likely benign for RHO-related condition. Last evaluated: 2026-07-14. Review status: criteria provided, single submitter. Criteria: ACMG Guidelines, 2015. Collection method: clinical testing. Allele origin: germline.
Comment: This variant is classified as likely benign based on ACMG/AMP sequence variant interpretation guidelines (Richards et al. 2015 PMID: 25741868, with internal and published modifications).

Labcorp Genetics (formerly Invitae), Labcorp
Classification: Likely benign. Last evaluated: 2025-01-27. Review status: criteria provided, single submitter. Criteria: Invitae Variant Classification Sherloc (09022015). Collection method: clinical testing. Allele origin: germline.

NM_000539.3(RHO):c.937-9G>A

Gene: RHO (rhodopsin; plus strand). Cytogenetic location: 3q22.1.
Variant type: single nucleotide variant.
Coding change: c.937-9G>A on transcript NM_000539.3 (MANE Select); 9 bases into the intron before coding-DNA position 937, G replaced by A.
Molecular consequence: intron variant.
Genome position (GRCh38, 1-based): chr3:129,533,599, G>A. VCF-style: chr3-129533599-G-A. GRCh37 (hg19) VCF-style: chr3-129252442-G-A.
Identifiers: ClinVar variation 1605639 (VCV001605639.9), dbSNP rs374334512, ClinGen allele CA82621233.